The following is an entry in ClinVar:

ClinVar aggregate classification (germline): Pathogenic (1 of 4 stars; one submission).

Submission:

GeneDx
Classification: Pathogenic. Last evaluated: 2018-10-18. Review status: criteria provided, single submitter. Criteria: GeneDx Variant Classification (06012015). Collection method: clinical testing. Allele origin: germline. Affected: yes.
Comment: The c.1608dupA pathogenic variant is predicted to cause loss of normal protein function either through protein truncation or nonsense-mediated mRNA decay. This variant is not observed in large population cohorts (Lek et al., 2016).

NM_001042492.3(NF1):c.1608dup (p.His537fs)

Gene: NF1 (neurofibromin 1; plus strand). Cytogenetic location: 17q11.2.
Variant type: Duplication.
Coding change: c.1608dup on transcript NM_001042492.3 (MANE Select); coding-DNA position 1608, one base duplicated (A; older notation c.1608dupA).
Protein change: p.His537fs; shifts the reading frame from histidine 537.
Molecular consequence: frameshift variant.
Genome position (GRCh38, 1-based): chr17:31,219,085, A duplicated. VCF-style (leftmost placement, unchanged base first): chr17-31219084-C-CA. GRCh37 (hg19) VCF-style: chr17-29546102-C-CA.
Other names: c.1608dupA (NM_000267.3); c.1608dup, p.His537Thrfs (NM_000267.4); c.1608dup, p.His537fs (NM_001128147.3); short protein forms H537fs.
Identifiers: ClinVar variation 817295 (VCV000817295.1), dbSNP rs1597703530, ClinGen allele CA915949706.
Genomic context (GRCh38, chr17:31,219,084, plus strand): 5'-CCGAAACCCAAGGCAGTACAGCAGAATTAATTACAGGGCTCGTCCAACTGGTCCCTCAGT[C>CA]ACACATGCCAGAGATTGCTCAGGAAGCAATGGAGGTAAGGGGAAAATGAATTCCATGTTC-3'